The following is an entry in ClinVar:

NM_000080.4(CHRNE):c.296G>A (p.Arg99Gln)

Genes: C17orf107 (chromosome 17 open reading frame 107; plus strand), CHRNE (cholinergic receptor nicotinic epsilon subunit; minus strand). Cytogenetic location: 17p13.2.
Variant type: single nucleotide variant.
Coding change: c.296G>A on transcript NM_000080.4 (MANE Select); coding-DNA position 296, G replaced by A.
Protein change: p.Arg99Gln; replaces arginine 99 with glutamine.
Molecular consequence: missense variant. On other transcripts: 3 prime UTR variant (1).
Genome position (GRCh38, 1-based): chr17:4,902,265, C>T on the plus strand (G>A on the coding strand, the complement: CHRNE is on the minus strand). VCF-style: chr17-4902265-C-T. GRCh37 (hg19) VCF-style: chr17-4805560-C-T.
Other names: c.*1732C>T (NM_001145536.2); short protein forms R99Q.
Identifiers: ClinVar variation 1936575 (VCV001936575.6), dbSNP rs1229501614, ClinGen allele CA397307067.

ClinVar aggregate classification (germline): Uncertain significance. Review status: criteria provided, multiple submitters, no conflicts (2 of 4 stars). 2 submissions from 2 submitters: Uncertain significance (2). Last evaluated 2025-07-08.

Conditions:
Congenital myasthenic syndrome 4A. Also called: MYASTHENIC SYNDROME, CONGENITAL, 4A, SLOW-CHANNEL, AUTOSOMAL RECESSIVE; Myasthenic syndrome, congenital, 4a, slow-channel; CONGENITAL MYASTHENIC SYNDROME TYPE Ia1. Identifiers: Orphanet 590, MedGen C4225413, MONDO:0011600, OMIM 605809.

Allele frequency attached by ClinVar (database versions not stated): gnomAD exomes below 0.00001.
gnomAD v4.1: 1 of 1,614,116 alleles (0.000062%); highest among the groups gnomAD compares: Admixed American, 0.0017%; no homozygotes.

Submissions (2):

GeneDx
Classification: Uncertain significance. Last evaluated: 2025-07-08. Review status: criteria provided, single submitter. Criteria: GeneDx Variant Classification Process June 2021. Collection method: clinical testing. Allele origin: germline. Affected: yes.
Comment: Not observed at significant frequency in large population cohorts (gnomAD); In silico analysis supports that this missense variant has a deleterious effect on protein structure/function; Has not been previously published as pathogenic or benign to our knowledge

Labcorp Genetics (formerly Invitae), Labcorp
Classification: Uncertain significance for Congenital myasthenic syndrome 4A. Last evaluated: 2025-04-30. Review status: criteria provided, single submitter. Criteria: Invitae Variant Classification Sherloc (09022015). Collection method: clinical testing. Allele origin: germline.
Comment: This sequence change replaces arginine, which is basic and polar, with glutamine, which is neutral and polar, at codon 99 of the CHRNE protein (p.Arg99Gln). This variant is present in population databases (no rsID available, gnomAD 0.003%). This variant has not been reported in the literature in individuals affected with CHRNE-related conditions. ClinVar contains an entry for this variant (Variation ID: 1936575). Invitae Evidence Modeling of protein sequence and biophysical properties (such as structural, functional, and spatial information, amino acid conservation, physicochemical variation, residue mobility, and thermodynamic stability) has been performed for this missense variant. However, the output from this modeling did not meet the statistical confidence thresholds required to predict the impact of this variant on CHRNE protein function. In summary, the available evidence is currently insufficient to determine the role of this variant in disease. Therefore, it has been classified as a Variant of Uncertain Significance.